The following is an entry in ClinVar:

ClinVar aggregate classification (germline): Uncertain significance (1 of 4 stars; one submission).

Conditions:
Hereditary cancer-predisposing syndrome. Also called: Neoplastic Syndromes, Hereditary; Tumor predisposition; Hereditary neoplastic syndrome; Hereditary Cancer Syndrome. Identifiers: Orphanet 140162, MedGen C0027672, MeSH D009386, MONDO:0015356.

gnomAD v4.1: 2 of 1,612,662 alleles (0.00012%); highest among the groups gnomAD compares: South Asian, 0.0011%; no homozygotes.

Submission:

Ambry Genetics
Classification: Uncertain significance for Hereditary cancer-predisposing syndrome. Last evaluated: 2025-05-02. Review status: criteria provided, single submitter. Criteria: Ambry Variant Classification Scheme 2023. Collection method: clinical testing. Allele origin: germline.
Comment: The p.E147D variant (also known as c.441G>C), located in coding exon 1 of the ALK gene, results from a G to C substitution at nucleotide position 441. The glutamic acid at codon 147 is replaced by aspartic acid, an amino acid with highly similar properties. This amino acid position is conserved. In addition, the in silico prediction for this alteration is inconclusive. Based on the available evidence, the clinical significance of this variant remains unclear.

NM_004304.5(ALK):c.441G>C (p.Glu147Asp)

Gene: ALK (ALK receptor tyrosine kinase; minus strand). Cytogenetic location: 2p23.1.
Variant type: single nucleotide variant.
Coding change: c.441G>C on transcript NM_004304.5 (MANE Select); coding-DNA position 441, G replaced by C.
Protein change: p.Glu147Asp; replaces glutamic acid 147 with aspartic acid.
Molecular consequence: missense variant.
Genome position (GRCh38, 1-based): chr2:29,920,219, C>G on the plus strand (G>C on the coding strand, the complement: ALK is on the minus strand). VCF-style: chr2-29920219-C-G. GRCh37 (hg19) VCF-style: chr2-30143085-C-G.
Other names: short protein forms E147D.
Identifiers: ClinVar variation 4039913 (VCV004039913.1).